The following is an entry in ClinVar:

ClinVar aggregate classification (germline): Pathogenic. Review status: criteria provided, multiple submitters, no conflicts (2 of 4 stars). 2 submissions from 2 submitters: Pathogenic (2). Last evaluated 2025-05-12.

Conditions:
Ataxia-telangiectasia syndrome (AT). Also called: Cerebello-oculocutaneous telangiectasia; Immunodeficiency with ataxia telangiectasia; Ataxia-telangiectasia, complementation group D; AT, COMPLEMENTATION GROUP C; ATAXIA-TELANGIECTASIA, COMPLEMENTATION GROUP A; ATAXIA-TELANGIECTASIA, FRESNO VARIANT. Identifiers: Orphanet 100, MedGen C0004135, MONDO:0008840, OMIM 208900.
Familial cancer of breast. Also called: BREAST CANCER, FAMILIAL; Hereditary breast cancer; hereditary breast carcinoma. Identifiers: Orphanet 227535, MedGen C0346153, MONDO:0016419, OMIM 114480. Disease mechanism: loss of function.

Submissions (2):

Myriad Genetics, Inc.
Classification: Pathogenic for Familial cancer of breast. Last evaluated: 2025-05-12. Review status: criteria provided, single submitter. Criteria: Myriad Autosomal Dominant, Autosomal Recessive and X-Linked Classification Criteria (2023). Collection method: clinical testing. Allele origin: unknown.
Comment: This variant is considered pathogenic. This variant creates a frameshift predicted to result in premature protein truncation.

Labcorp Genetics (formerly Invitae), Labcorp
Classification: Pathogenic for Ataxia-telangiectasia syndrome. Last evaluated: 2020-12-30. Review status: criteria provided, single submitter. Criteria: Invitae Variant Classification Sherloc (09022015). Collection method: clinical testing. Allele origin: germline.
Comment: This sequence change creates a premature translational stop signal (p.Ile678Leufs*25) in the ATM gene. It is expected to result in an absent or disrupted protein product. For these reasons, this variant has been classified as Pathogenic. Loss-of-function variants in ATM are known to be pathogenic (PMID: 23807571, 25614872). This variant has not been reported in the literature in individuals with ATM-related conditions. This variant is not present in population databases (ExAC no frequency).

Literature cited by the submitters: PubMed 23807571 (cited by Labcorp Genetics (formerly Invitae), Labcorp); PubMed 25614872 (cited by Labcorp Genetics (formerly Invitae), Labcorp).

NM_000051.4(ATM):c.2032_2033delinsC (p.Ile678fs)

Gene: ATM (ATM serine/threonine kinase; plus strand). Cytogenetic location: 11q22.3.
Variant type: Indel.
Coding change: c.2032_2033delinsC on transcript NM_000051.4 (MANE Select); coding-DNA positions 2032 to 2033, AT replaced by C.
Protein change: p.Ile678fs; shifts the reading frame from isoleucine 678.
Molecular consequence: frameshift variant.
Genome position (GRCh38, 1-based): chr11:108,253,947-108,253,948, AT replaced by C. VCF-style: chr11-108253947-AT-C. GRCh37 (hg19) VCF-style: chr11-108124674-AT-C.
Other names: c.2032_2033delinsC, p.Ile678fs (NM_001351834.2); short protein forms I678fs.
Identifiers: ClinVar variation 4071393 (VCV004071393.2).
Genomic context (GRCh38, chr11:108,253,947, plus strand): 5'-GACAAGATGGACTTTTTAACCATTGTGAGAGAATGTGGTATAGAAAAGCACCAGTCCAGT[AT>C]TGGCTTCTCTGTCCACCAGAATCTCAAGGAATCACTGGATCGCTGTCTTCTGGGATTATC-3'